The following is an entry in ClinVar:

NM_001130009.3(GEN1):c.996_1004del (p.Gln333_Phe335del)

Gene: GEN1 (GEN1 structure-specific endonuclease; plus strand). Cytogenetic location: 2p24.2.
Variant type: Deletion.
Coding change: c.996_1004del on transcript NM_001130009.3 (MANE Select); coding-DNA positions 996 to 1004, 9 bases deleted (TCAAGAATT; older notation c.996_1004delTCAAGAATT).
Protein change: p.Gln333_Phe335del.
Molecular consequence: inframe deletion.
Genome position (GRCh38, 1-based): chr2:17,773,224-17,773,232, TCAAGAATT deleted; deleting any 9 consecutive bases within chr2:17,773,223-17,773,232 gives the same sequence; the c. name uses the placement nearest the transcript's 3' end. VCF-style (leftmost placement, unchanged base first): chr2-17773222-ATTCAAGAAT-A. GRCh37 (hg19) VCF-style: chr2-17954489-ATTCAAGAAT-A.
Other names: c.996_1004del, p.Gln333_Phe335del (NM_182625.5).
Identifiers: ClinVar variation 4725214 (VCV004725214.1).
Genomic context (GRCh38, chr2:17,773,222, plus strand): 5'-TTTAGAAACTTTCTTAAAAGTTTAAATCTCAGTTTCTATTTTCTTTTTTCTTGCTAGGTT[ATTCAAGAAT>A]TCCTTTTAAACAAGGATAAATTGGTGAAGGTTATCAGGTACCAAAGACCTGATTTGTTAT-3'

ClinVar aggregate classification (germline): Uncertain significance (1 of 4 stars; one submission).

Submission:

Labcorp Genetics (formerly Invitae), Labcorp
Classification: Uncertain significance. Last evaluated: 2025-08-11. Review status: criteria provided, single submitter. Criteria: Invitae Variant Classification Sherloc (09022015). Collection method: clinical testing. Allele origin: germline.
Comment: This variant, c.996_1004del, results in the deletion of 3 amino acid(s) of the GEN1 protein (p.Gln333_Phe335del), but otherwise preserves the integrity of the reading frame. This variant is not present in population databases (gnomAD no frequency). This variant has not been reported in the literature in individuals affected with GEN1-related conditions. Algorithms developed to predict the effect of sequence changes on RNA splicing suggest that this variant may disrupt the consensus splice site. In summary, the available evidence is currently insufficient to determine the role of this variant in disease. Therefore, it has been classified as a Variant of Uncertain Significance.